The following is an entry in ClinVar:

NM_000088.4(COL1A1):c.73G>T (p.Glu25Ter)

Gene: COL1A1 (collagen type I alpha 1 chain; minus strand). Cytogenetic location: 17q21.33.
Variant type: single nucleotide variant.
Coding change: c.73G>T on transcript NM_000088.4 (MANE Select); coding-DNA position 73, G replaced by T.
Protein change: p.Glu25Ter; replaces glutamic acid 25 with a stop codon.
Molecular consequence: nonsense.
Genome position (GRCh38, 1-based): chr17:50,201,441, C>A on the plus strand (G>T on the coding strand, the complement: COL1A1 is on the minus strand). VCF-style: chr17-50201441-C-A. GRCh37 (hg19) VCF-style: chr17-48278802-C-A.
Other names: short protein forms E25*.
Identifiers: ClinVar variation 2700733 (VCV002700733.3), dbSNP rs2509266699, ClinGen allele CA400230229.

ClinVar aggregate classification (germline): Pathogenic (1 of 4 stars; one submission).

Conditions:
Osteogenesis imperfecta type I (OI1). Also called: Lobstein's Disease; Lobstein disease; OI, TYPE I; OSTEOGENESIS IMPERFECTA TARDA; OSTEOGENESIS IMPERFECTA WITH BLUE SCLERAE; Osteogenesis imperfecta type 1. Identifiers: Orphanet 216796, Orphanet 666, MedGen C0023931, MONDO:0008146, OMIM 166200. Disease mechanism: loss of function.

Submission:

Labcorp Genetics (formerly Invitae), Labcorp
Classification: Pathogenic for Osteogenesis imperfecta type I. Last evaluated: 2023-12-16. Review status: criteria provided, single submitter. Criteria: Invitae Variant Classification Sherloc (09022015). Collection method: clinical testing. Allele origin: germline.
Comment: This sequence change creates a premature translational stop signal (p.Glu25*) in the COL1A1 gene. It is expected to result in an absent or disrupted protein product. Loss-of-function variants in COL1A1 are known to be pathogenic (PMID: 7942841, 9295084, 9443882). This variant is not present in population databases (gnomAD no frequency). This variant has not been reported in the literature in individuals affected with COL1A1-related conditions. For these reasons, this variant has been classified as Pathogenic.

Literature cited by the submitters: PubMed 7942841; PubMed 9295084; PubMed 9443882.